The following is an entry in ClinVar:

NM_152274.5(CCNQ):c.616G>T (p.Glu206Ter)

Gene: CCNQ (cyclin Q; minus strand). Cytogenetic location: Xq28.
Variant type: single nucleotide variant.
Coding change: c.616G>T on transcript NM_152274.5 (MANE Select); coding-DNA position 616, G replaced by T.
Protein change: p.Glu206Ter; replaces glutamic acid 206 with a stop codon.
Molecular consequence: nonsense.
Genome position (GRCh38, 1-based): chrX:153,592,547, C>A on the plus strand (G>T on the coding strand, the complement: CCNQ is on the minus strand). VCF-style: chrX-153592547-C-A. GRCh37 (hg19) VCF-style: chrX-152858005-C-A.
Other names: c.616G>T, p.Glu206Ter (NM_001130997.3); short protein forms E206*.
Identifiers: ClinVar variation 382099 (VCV000382099.2), dbSNP rs1057521251, ClinGen allele CA16609136.
Genomic context (GRCh38, chrX:153,592,547, plus strand): 5'-TGCCAAGCAGCCACCTCACCTGCCACCACGGCTTCTCAGCCTCGACCTCGGCGGGCACCT[C>A]AACTCCGTAGACCTGCAGGGCCAGGTAGAGCACCGCCACGGCGATGTGCTGGGCCTGGAA-3'

ClinVar aggregate classification (germline): Likely pathogenic (1 of 4 stars; one submission).

Submission:

GeneDx
Classification: Likely pathogenic. Last evaluated: 2016-01-06. Review status: criteria provided, single submitter. Criteria: GeneDx Variant Classification (06012015). Collection method: clinical testing. Allele origin: germline. Affected: yes.
Comment: The E206X variant in the FAM58A gene has not been reported previously as a pathogenic variant nor as a benign variant, to our knowledge. This variant is predicted to cause loss of normal protein function through protein truncation. The E206X variant was not observed in approximately 6500 individuals of European and African American ancestry in the NHLBI Exome Sequencing Project, indicating it is not a common benign variant in these populations. The E206X variant is a strong candidate for a pathogenic variant, however, the possibility it may be a rare benign variant cannot be excluded.